The following is an entry in ClinVar:

NM_000505.4(F12):c.129C>T (p.Thr43=)

Gene: F12 (coagulation factor XII; minus strand). Cytogenetic location: 5q35.3.
Variant type: single nucleotide variant.
Coding change: c.129C>T on transcript NM_000505.4 (MANE Select); coding-DNA position 129, C replaced by T.
Protein change: p.Thr43=; no amino-acid change (threonine 43 retained).
Molecular consequence: synonymous variant.
Genome position (GRCh38, 1-based): chr5:177,406,048, G>A on the plus strand (C>T on the coding strand, the complement: F12 is on the minus strand). VCF-style: chr5-177406048-G-A. GRCh37 (hg19) VCF-style: chr5-176833049-G-A.
Identifiers: ClinVar variation 904550 (VCV000904550.4), dbSNP rs201546796, ClinGen allele CA3581603.

ClinVar aggregate classification (germline): Conflicting classifications of pathogenicity. Review status: criteria provided, conflicting classifications (1 of 4 stars). 2 submissions from 1 submitter: Uncertain significance (1); Likely benign (1). Last evaluated 2018-01-13.

Conditions:
Hereditary angioedema type 3 (HAE3). Also called: ANGIONEUROTIC EDEMA, HEREDITARY, WITH NORMAL C1 INHIBITOR CONCENTRATION AND FUNCTION; ESTROGEN-RELATED HAE; ESTROGEN-SENSITIVE HAE; HAE WITH NORMAL C1 INHIBITOR CONCENTRATION AND FUNCTION. Identifiers: Orphanet 100054, MedGen C1857728, MONDO:0012526, OMIM 610618.
Factor XII deficiency disease. Also called: Congenital factor XII deficiency; Reduced factor XII activity; F12 DEFICIENCY; HAF DEFICIENCY. Identifiers: Orphanet 330, MedGen C0015526, MONDO:0009315, OMIM 234000, HP:0004841.

Allele frequency attached by ClinVar (database versions not stated): TOPMed 0.00003; gnomAD 0.00004 and 0.00005; gnomAD exomes 0.00005; ExAC 0.00007; ESP Exome Variant Server 0.00008; 1000 Genomes Project 0.00020; 1000 Genomes Project 30x 0.00031.

Submissions (2):

Illumina Laboratory Services, Illumina
Classification: Likely benign for Hereditary angioedema type 3. Last evaluated: 2018-01-13. Review status: criteria provided, single submitter. Criteria: ICSL Variant Classification Criteria 13 December 2019. Collection method: clinical testing. Allele origin: germline.
Comment: This variant was observed in the ICSL laboratory as part of a predisposition screen in an ostensibly healthy population. It had not been previously curated by ICSL or reported in the Human Gene Mutation Database (HGMD: prior to June 1st, 2018), and was therefore a candidate for classification through an automated scoring system. Utilizing variant allele frequency, disease prevalence and penetrance estimates, and inheritance mode, an automated score was calculated to assess if this variant is too frequent to cause the disease. Based on the score and internal cut-off values, a variant classified as likely benign is not then subjected to further curation. The score for this variant resulted in a classification of likely benign for this disease.

Illumina Laboratory Services, Illumina
Classification: Uncertain significance for Factor XII deficiency disease. Last evaluated: 2018-01-13. Review status: criteria provided, single submitter. Criteria: ICSL Variant Classification Criteria 13 December 2019. Collection method: clinical testing. Allele origin: germline.